The following is an entry in ClinVar:

ClinVar aggregate classification (germline): Uncertain significance (1 of 4 stars; one submission).

gnomAD v4.1: 7 of 1,613,746 alleles (0.00043%); highest among the groups gnomAD compares: Non-Finnish European, 0.00059%; no homozygotes.

Submission:

Labcorp Genetics (formerly Invitae), Labcorp
Classification: Uncertain significance. Last evaluated: 2022-12-02. Review status: criteria provided, single submitter. Criteria: Invitae Variant Classification Sherloc (09022015). Collection method: clinical testing. Allele origin: germline.
Comment: Algorithms developed to predict the effect of missense changes on protein structure and function output the following: SIFT: "Tolerated"; PolyPhen-2: "Possibly Damaging"; Align-GVGD: "Class C0". The serine amino acid residue is found in multiple mammalian species, which suggests that this missense change does not adversely affect protein function. In summary, the available evidence is currently insufficient to determine the role of this variant in disease. Therefore, it has been classified as a Variant of Uncertain Significance. This variant has not been reported in the literature in individuals affected with DMXL2-related conditions. This variant is not present in population databases (gnomAD no frequency). This sequence change replaces tryptophan, which is neutral and slightly polar, with serine, which is neutral and polar, at codon 1952 of the DMXL2 protein (p.Trp1952Ser).

NM_001378457.1(DMXL2):c.5855G>C (p.Trp1952Ser)

Gene: DMXL2 (Dmx like 2; minus strand). Cytogenetic location: 15q21.2.
Variant type: single nucleotide variant.
Coding change: c.5855G>C on transcript NM_001378457.1 (MANE Select); coding-DNA position 5855, G replaced by C.
Protein change: p.Trp1952Ser; replaces tryptophan 1952 with serine.
Molecular consequence: missense variant. On other transcripts: non-coding transcript variant (2).
Genome position (GRCh38, 1-based): chr15:51,481,251, C>G on the plus strand (G>C on the coding strand, the complement: DMXL2 is on the minus strand). VCF-style: chr15-51481251-C-G. GRCh37 (hg19) VCF-style: chr15-51773448-C-G.
Other names: c.5855G>C, p.Trp1952Ser (NM_001174116.3, NM_001378458.1, NM_001378459.1 and 4 more transcripts); c.3947G>C, p.Trp1316Ser (NM_001174117.3); c.3836G>C, p.Trp1279Ser (NM_001378460.1); c.5615G>C, p.Trp1872Ser (NM_001378464.1); short protein forms W1279S, W1316S, W1872S, W1952S.
Identifiers: ClinVar variation 2127436 (VCV002127436.4), dbSNP rs766902484, ClinGen allele CA392444927.